The following is an entry in ClinVar:

NM_005996.4(TBX3):c.1106C>T (p.Ala369Val)

Gene: TBX3 (T-box transcription factor 3; minus strand). Cytogenetic location: 12q24.21.
Variant type: single nucleotide variant.
Coding change: c.1106C>T on transcript NM_005996.4 (MANE Select); coding-DNA position 1106, C replaced by T.
Protein change: p.Ala369Val; replaces alanine 369 with valine.
Molecular consequence: missense variant.
Genome position (GRCh38, 1-based): chr12:114,674,769, G>A on the plus strand (C>T on the coding strand, the complement: TBX3 is on the minus strand). VCF-style: chr12-114674769-G-A. GRCh37 (hg19) VCF-style: chr12-115112574-G-A.
Other names: c.1166C>T, p.Ala389Val (NM_016569.4); short protein forms A369V, A389V.
Identifiers: ClinVar variation 4885741 (VCV004885741.2).

ClinVar aggregate classification (germline): Uncertain significance (1 of 4 stars; one submission).

Submission:

Dasa
Classification: Uncertain significance. Last evaluated: 2025-09-18. Review status: criteria provided, single submitter. Criteria: DASA Assertion Criteria. Collection method: clinical testing. Allele origin: germline.
Comment: NM_005996.4(TBX3):c.1106C>T (p.Ala369Val) is a missense variant that results in the substitution of alanine with valine. This variant is absent from population databases. The currently available literature and clinical evidence are not sufficient to establish a definitive association between this variant and the reported condition. Therefore, this variant is classified as a variant of uncertain significance.